The following is an entry in ClinVar:

ClinVar aggregate classification (germline): Pathogenic (1 of 4 stars; one submission).

Conditions:
Charcot-Marie-Tooth disease type 2. Also called: Charcot-Marie-Tooth type 2. Identifiers: Orphanet 64746, MedGen C0270914, MONDO:0018993.

Submission:

Labcorp Genetics (formerly Invitae), Labcorp
Classification: Pathogenic for Charcot-Marie-Tooth disease type 2. Last evaluated: 2022-04-01. Review status: criteria provided, single submitter. Criteria: Invitae Variant Classification Sherloc (09022015). Collection method: clinical testing. Allele origin: germline.
Comment: For these reasons, this variant has been classified as Pathogenic. This variant disrupts the p.Arg95 amino acid residue in MFN2. Other variant(s) that disrupt this residue have been determined to be pathogenic (PMID: 30642740; Invitae). This suggests that this residue is clinically significant, and that variants that disrupt this residue are likely to be disease-causing. Advanced modeling of protein sequence and biophysical properties (such as structural, functional, and spatial information, amino acid conservation, physicochemical variation, residue mobility, and thermodynamic stability) performed at Invitae indicates that this missense variant is expected to disrupt MFN2 protein function. This missense change has been observed in individual(s) with clinical features of autosomal dominant Charcot-Marie-Tooth disease (Invitae). In at least one individual the variant was observed to be de novo. This variant is not present in population databases (gnomAD no frequency). This sequence change replaces arginine, which is basic and polar, with serine, which is neutral and polar, at codon 95 of the MFN2 protein (p.Arg95Ser).

Literature cited by the submitters: PubMed 30642740.

NM_014874.4(MFN2):c.285G>T (p.Arg95Ser)

Gene: MFN2 (mitofusin 2; plus strand). Cytogenetic location: 1p36.22.
Variant type: single nucleotide variant.
Coding change: c.285G>T on transcript NM_014874.4 (MANE Select); coding-DNA position 285, G replaced by T.
Protein change: p.Arg95Ser; replaces arginine 95 with serine.
Molecular consequence: missense variant.
Genome position (GRCh38, 1-based): chr1:11,992,664, G>T. VCF-style: chr1-11992664-G-T. GRCh37 (hg19) VCF-style: chr1-12052721-G-T.
Other names: c.285G>T, p.Arg95Ser (NM_001127660.2); short protein forms R95S.
Identifiers: ClinVar variation 1455514 (VCV001455514.8), dbSNP rs1553141686, ClinGen allele CA338462188.